The following is an entry in ClinVar:

NM_001267550.2(TTN):c.53002+9C>T

Genes: TTN-AS1 (TTN antisense RNA 1; plus strand), TTN (titin; minus strand), LOC126806425 (BRD4-independent group 4 enhancer GRCh37_chr2:179471933-179473132; plus strand). Cytogenetic location: 2q31.2.
Variant type: single nucleotide variant.
Coding change: c.53002+9C>T on transcript NM_001267550.2 (MANE Select); 9 bases into the intron after coding-DNA position 53002, C replaced by T.
Molecular consequence: intron variant.
Genome position (GRCh38, 1-based): chr2:178,607,776, G>A on the plus strand (C>T on the coding strand, the complement: TTN is on the minus strand). VCF-style: chr2-178607776-G-A. GRCh37 (hg19) VCF-style: chr2-179472503-G-A.
Other names: c.25807+9C>T (NM_003319.4); c.26383+9C>T (NM_133437.4); c.26182+9C>T (NM_133432.3); c.45298+9C>T (NM_133378.4); c.48079+9C>T (NM_001256850.1).
Identifiers: ClinVar variation 179267 (VCV000179267.15), dbSNP rs374671774, ClinGen allele CA184081.

ClinVar aggregate classification (germline): Likely benign. Review status: criteria provided, multiple submitters, no conflicts (2 of 4 stars). 2 submissions from 2 submitters: Likely benign (2). Last evaluated 2025-05-29.

Conditions:
Dilated cardiomyopathy 1G (CMD1G). Identifiers: Orphanet 154, MedGen C1858763, MONDO:0011400, OMIM 604145.
Autosomal recessive limb-girdle muscular dystrophy type 2J (LGMDR10). Also called: Limb-girdle muscular dystrophy, type 2J; MUSCULAR DYSTROPHY, LIMB-GIRDLE, AUTOSOMAL RECESSIVE 10. Identifiers: Orphanet 140922, MedGen C1837342, MONDO:0012127, OMIM 608807.

Allele frequency attached by ClinVar (database versions not stated): ExAC 0.00001; gnomAD 0.00001; gnomAD exomes 0.00001; TOPMed 0.00001.
gnomAD v4.1: 6 of 1,612,544 alleles (0.00037%); highest among the groups gnomAD compares: Admixed American, 0.0017%; no homozygotes.

Submissions (2):

Labcorp Genetics (formerly Invitae), Labcorp
Classification: Likely benign for Dilated cardiomyopathy 1G; Autosomal recessive limb-girdle muscular dystrophy type 2J. Last evaluated: 2025-05-29. Review status: criteria provided, single submitter. Criteria: Invitae Variant Classification Sherloc (09022015). Collection method: clinical testing. Allele origin: germline.

Laboratory for Molecular Medicine, Mass General Brigham Personalized Medicine
Classification: Likely benign. Last evaluated: 2013-09-24. Review status: criteria provided, single submitter. Criteria: LMM Criteria. Collection method: clinical testing. Allele origin: germline. Observed: 1 variant allele.
Comment: 45298+9C>T in intron 225 of TTN: This variant is not expected to have clinical s ignificance because it is not located within the splice consensus sequence. 45 298+9C>T in intron 225 of TTN (allele frequency = n/a)